The following is an entry in ClinVar:

ClinVar aggregate classification (germline): Benign (0 of 4 stars; one submission).

Conditions:
MYO7B-related disorder. Also called: MYO7B-related condition.

Allele frequency attached by ClinVar (database versions not stated): TOPMed 0.14325; ESP Exome Variant Server 0.15132; gnomAD 0.15957; 1000 Genomes Project 0.16813; 1000 Genomes Project 30x 0.16818.
gnomAD v4.1: 310,319 of 1,611,760 alleles (19%); highest among the groups gnomAD compares: South Asian, 31%; 31,852 homozygotes.

Submission:

PreventionGenetics, part of Exact Sciences
Classification: Benign for MYO7B-related condition. Last evaluated: 2019-10-21. Review status: no assertion criteria provided. Collection method: clinical testing. Allele origin: germline.
Comment: This variant is classified as benign based on ACMG/AMP sequence variant interpretation guidelines (Richards et al. 2015 PMID: 25741868, with internal and published modifications).

NM_001393586.1(MYO7B):c.5019G>C (p.Glu1673Asp)

Gene: MYO7B (myosin VIIB; plus strand). Cytogenetic location: 2q14.3.
Variant type: single nucleotide variant.
Coding change: c.5019G>C on transcript NM_001393586.1 (MANE Select); coding-DNA position 5019, G replaced by C.
Protein change: p.Glu1673Asp; replaces glutamic acid 1673 with aspartic acid.
Molecular consequence: missense variant.
Genome position (GRCh38, 1-based): chr2:127,631,287, G>C. VCF-style: chr2-127631287-G-C. GRCh37 (hg19) VCF-style: chr2-128388862-G-C.
Other names: c.4941G>C, p.Glu1647Asp (NM_001080527.2); c.1500G>C, p.Glu500Asp (NM_001393594.1); short protein forms E1647D, E1673D, E500D.
Identifiers: ClinVar variation 3055551 (VCV003055551.2), dbSNP rs13025959, ClinGen allele CA1862100.